The following is an entry in ClinVar:

ClinVar aggregate classification (germline): Likely benign (1 of 4 stars; one submission).

Allele frequency attached by ClinVar (database versions not stated): TOPMed 0.00001; gnomAD 0.00003; gnomAD exomes 0.00003.
gnomAD v4.1: 22 of 735,730 alleles (0.003%); highest among the groups gnomAD compares: Admixed American, 0.013%; no homozygotes.

Submission:

GeneDx
Classification: Likely benign. Last evaluated: 2016-05-17. Review status: criteria provided, single submitter. Criteria: GeneDx Variant Classification (06012015). Collection method: clinical testing. Allele origin: germline. Affected: yes.
Comment: This variant is considered likely benign or benign based on one or more of the following criteria: it is a conservative change, it occurs at a poorly conserved position in the protein, it is predicted to be benign by multiple in silico algorithms, and/or has population frequency not consistent with disease.

NM_004329.3(BMPR1A):c.-147G>A

Gene: BMPR1A (bone morphogenetic protein receptor type 1A; plus strand). Cytogenetic location: 10q23.2.
Variant type: single nucleotide variant.
Coding change: c.-147G>A on transcript NM_004329.3 (MANE Select); 147 bases upstream of the start codon, G replaced by A.
Molecular consequence: 5 prime UTR variant.
Genome position (GRCh38, 1-based): chr10:86,875,872, G>A. VCF-style: chr10-86875872-G-A. GRCh37 (hg19) VCF-style: chr10-88635629-G-A.
Identifiers: ClinVar variation 377563 (VCV000377563.1), dbSNP rs1057520242, ClinGen allele CA16606082.
Genomic context (GRCh38, chr10:86,875,872, plus strand): 5'-AAAATTTCCAAAATTCAGTTGTATTCCTTACCTTTTAAATATTTTTGTCTTTCAGGAGTC[G>A]TAAGAAAGCAGTGGGAGTTGAAGTCATTGTCAAGTGCTTGCGATCTTTTACAAGAAAATC-3'